The following is an entry in ClinVar:

ClinVar aggregate classification (germline): Pathogenic (1 of 4 stars; one submission).

Conditions:
Methylmalonic aciduria, cblB type (MACB). Also called: METHYLMALONIC ACIDURIA, VITAMIN B12-RESPONSIVE, DUE TO DEFECT IN SYNTHESIS OF ADENOSYLCOBALAMIN, cblB TYPE; Vitamin B12-responsive methylmalonic acidemia type cblB; Methylmalonic acidemia cblB type. Identifiers: Orphanet 28, Orphanet 79311, MedGen C1855102, MONDO:0009614, OMIM 251110.

Submission:

Labcorp Genetics (formerly Invitae), Labcorp
Classification: Pathogenic for Methylmalonic aciduria, cblB type. Last evaluated: 2023-09-25. Review status: criteria provided, single submitter. Criteria: Invitae Variant Classification Sherloc (09022015). Collection method: clinical testing. Allele origin: germline.
Comment: For these reasons, this variant has been classified as Pathogenic. This variant disrupts a region of the MMAB protein in which other variant(s) (p.Gln234*) have been determined to be pathogenic (PMID: 16410054, 21604717). This suggests that this is a clinically significant region of the protein, and that variants that disrupt it are likely to be disease-causing. This variant has not been reported in the literature in individuals affected with MMAB-related conditions. This variant is not present in population databases (gnomAD no frequency). This sequence change creates a premature translational stop signal (p.Cys189Argfs*21) in the MMAB gene. While this is not anticipated to result in nonsense mediated decay, it is expected to disrupt the last 62 amino acid(s) of the MMAB protein.

Literature cited by the submitters: PubMed 16410054; PubMed 21604717.

NM_052845.4(MMAB):c.565_577del (p.Cys189fs)

Gene: MMAB (metabolism of cobalamin associated B; minus strand). Cytogenetic location: 12q24.11.
Variant type: Deletion.
Coding change: c.565_577del on transcript NM_052845.4 (MANE Select); coding-DNA positions 565 to 577, 13 bases deleted (TGCCGCCGGGCCG).
Protein change: p.Cys189fs; shifts the reading frame from cysteine 189.
Molecular consequence: frameshift variant. On other transcripts: non-coding transcript variant (1).
Genome position (GRCh38, 1-based): chr12:109,561,047-109,561,059, CGGCCCGGCGGCA deleted on the plus strand (TGCCGCCGGGCCG on the coding strand, the reverse complement: MMAB is on the minus strand); deleting any 13 consecutive bases within chr12:109,561,047-109,561,060 gives the same sequence; the c. name uses the placement nearest the transcript's 3' end. VCF-style (leftmost placement, unchanged base first): chr12-109561046-TCGGCCCGGCGGCA-T. GRCh37 (hg19) VCF-style: chr12-109998851-TCGGCCCGGCGGCA-T.
Other names: short protein forms C189fs.
Identifiers: ClinVar variation 3003269 (VCV003003269.3), dbSNP rs2548604009, ClinGen allele CA2740092590.